The following is an entry in ClinVar:

NM_198253.3(TERT):c.698C>G (p.Pro233Arg)

Gene: TERT (telomerase reverse transcriptase; minus strand). Cytogenetic location: 5p15.33.
Variant type: single nucleotide variant.
Coding change: c.698C>G on transcript NM_198253.3 (MANE Select); coding-DNA position 698, C replaced by G.
Protein change: p.Pro233Arg; replaces proline 233 with arginine.
Molecular consequence: missense variant. On other transcripts: non-coding transcript variant (2).
Genome position (GRCh38, 1-based): chr5:1,294,188, G>C on the plus strand (C>G on the coding strand, the complement: TERT is on the minus strand). VCF-style: chr5-1294188-G-C. GRCh37 (hg19) VCF-style: chr5-1294303-G-C.
Other names: c.698C>G, p.Pro233Arg (NM_001193376.3); short protein forms P233R.
Identifiers: ClinVar variation 4841363 (VCV004841363.1).

ClinVar aggregate classification (germline): Uncertain significance (1 of 4 stars; one submission).

Conditions:
Dyskeratosis congenita. Identifiers: Orphanet 1775, MedGen C0265965, MONDO:0015780.

gnomAD v4.1: 3 of 1,581,614 alleles (0.00019%); highest among the groups gnomAD compares: South Asian, 0.0011%; no homozygotes.

Submission:

Ambry Genetics
Classification: Uncertain significance for Dyskeratosis congenita. Last evaluated: 2026-03-03. Review status: criteria provided, single submitter. Criteria: Ambry Variant Classification Scheme 2023. Collection method: clinical testing. Allele origin: germline.
Comment: The p.P233R variant (also known as c.698C>G), located in coding exon 2 of the TERT gene, results from a C to G substitution at nucleotide position 698. The proline at codon 233 is replaced by arginine, an amino acid with dissimilar properties. This amino acid position is conserved. In addition, the in silico prediction for this alteration is inconclusive. Based on the available evidence, the clinical significance of this variant remains unclear.